The following is an entry in ClinVar:

ClinVar aggregate classification (germline): Benign (0 of 4 stars; one submission).

Conditions:
LRFN5-related disorder. Also called: LRFN5-related condition.

Allele frequency attached by ClinVar (database versions not stated): 1000 Genomes Project 30x 0.00047; 1000 Genomes Project 0.00060; ESP Exome Variant Server 0.00077; TOPMed 0.00088; gnomAD exomes 0.00179; ExAC 0.00223; gnomAD 0.00256.
gnomAD v4.1: 2,988 of 1,614,180 alleles (0.19%); highest among the groups gnomAD compares: Non-Finnish European, 0.14%; 13 homozygotes.

Submission:

PreventionGenetics, part of Exact Sciences
Classification: Benign for LRFN5-related condition. Last evaluated: 2019-07-11. Review status: no assertion criteria provided. Collection method: clinical testing. Allele origin: germline.
Comment: This variant is classified as benign based on ACMG/AMP sequence variant interpretation guidelines (Richards et al. 2015 PMID: 25741868, with internal and published modifications).

NM_152447.5(LRFN5):c.1865C>T (p.Ser622Phe)

Gene: LRFN5 (leucine rich repeat and fibronectin type III domain containing 5; plus strand). Cytogenetic location: 14q21.1.
Variant type: single nucleotide variant.
Coding change: c.1865C>T on transcript NM_152447.5 (MANE Select); coding-DNA position 1865, C replaced by T.
Protein change: p.Ser622Phe; replaces serine 622 with phenylalanine.
Molecular consequence: missense variant. On other transcripts: non-coding transcript variant (2), intron variant (2).
Genome position (GRCh38, 1-based): chr14:41,891,729, C>T. VCF-style: chr14-41891729-C-T. GRCh37 (hg19) VCF-style: chr14-42360932-C-T.
Other names: c.1865C>T, p.Ser622Phe (NM_001346173.2); c.1385+3719C>T (NM_001330106.2, NM_001346175.2); short protein forms S622F.
Identifiers: ClinVar variation 3050478 (VCV003050478.2), dbSNP rs142220815, ClinGen allele CA7165612.